The following is an entry in ClinVar:

NM_198569.3(ADGRG6):c.3334A>T (p.Ile1112Phe)

Gene: ADGRG6 (adhesion G protein-coupled receptor G6; plus strand). Cytogenetic location: 6q24.2.
Variant type: single nucleotide variant.
Coding change: c.3334A>T on transcript NM_198569.3 (MANE Select); coding-DNA position 3334, A replaced by T.
Protein change: p.Ile1112Phe; replaces isoleucine 1112 with phenylalanine.
Molecular consequence: missense variant.
Genome position (GRCh38, 1-based): chr6:142,437,448, A>T. VCF-style: chr6-142437448-A-T. GRCh37 (hg19) VCF-style: chr6-142758585-A-T.
Other names: p.Ile1112Phe; c.3250A>T, p.Ile1084Phe (NM_001032394.3, NM_001032395.3); c.3334A>T, p.Ile1112Phe (NM_020455.6); short protein forms I1084F, I1112F.
Identifiers: ClinVar variation 2682957 (VCV002682957.1), dbSNP rs369521129, ClinGen allele CA4027400.
Genomic context (GRCh38, chr6:142,437,448, plus strand): 5'-AAGATGTGTCAGTTGGCTTAAATATTTATATTTTCTTTTGTCACAGGCTTATTTATATTC[A>T]TCTTCCACTGTGCTATGAAGGAGAATGTTCAGAAACAGTGGCGGCAGCATCTCTGCTGTG-3'
Protein context (NP_940971.2, residues 1102-1122): FNSLQGLFIF[Ile1112Phe]FHCAMKENVQ

ClinVar aggregate classification (germline): Uncertain significance (1 of 4 stars; one submission).

gnomAD v4.1: 5 of 1,520,144 alleles (0.00033%); highest among the groups gnomAD compares: Non-Finnish European, 0.00046%; no homozygotes.

Submission:

Mayo Clinic Laboratories, Mayo Clinic
Classification: Uncertain significance. Last evaluated: 2022-06-17. Review status: criteria provided, single submitter. Criteria: ACMG Guidelines, 2015. Collection method: clinical testing. Allele origin: germline. Observed: 1 variant allele.
Comment: BP4, PM2